The following is an entry in ClinVar:

ClinVar aggregate classification (germline): Uncertain significance. Review status: criteria provided, multiple submitters, no conflicts (2 of 4 stars). 4 submissions from 4 submitters: Uncertain significance (4). Last evaluated 2025-09-27.

Conditions:
Cardiovascular phenotype. Identifiers: MedGen CN230736.
Hereditary cancer-predisposing syndrome. Also called: Neoplastic Syndromes, Hereditary; Hereditary Cancer Syndrome; Tumor predisposition; Hereditary neoplastic syndrome. Identifiers: Orphanet 140162, MedGen C0027672, MeSH D009386, MONDO:0015356.
Noonan syndrome 10 (NS10). Identifiers: Orphanet 648, MedGen C4225280, MONDO:0014693, OMIM 616564.
LZTR1-related schwannomatosis. Also called: Schwannomatosis-2, susceptibility to; Schwannomatosis 2. Identifiers: Orphanet 93921, MedGen C3810283, MONDO:0014299, OMIM 615670.

Allele frequency attached by ClinVar (database versions not stated): gnomAD exomes below 0.00001.

Submissions (4):

Labcorp Genetics (formerly Invitae), Labcorp
Classification: Uncertain significance. Last evaluated: 2025-09-27. Review status: criteria provided, single submitter. Criteria: Invitae Variant Classification Sherloc (09022015). Collection method: clinical testing. Allele origin: germline.
Comment: This sequence change replaces glycine, which is neutral and non-polar, with aspartic acid, which is acidic and polar, at codon 405 of the LZTR1 protein (p.Gly405Asp). This variant is not present in population databases (gnomAD no frequency). This variant has not been reported in the literature in individuals affected with LZTR1-related conditions. ClinVar contains an entry for this variant (Variation ID: 2447767). Invitae Evidence Modeling of protein sequence and biophysical properties (such as structural, functional, and spatial information, amino acid conservation, physicochemical variation, residue mobility, and thermodynamic stability) indicates that this missense variant is not expected to disrupt LZTR1 protein function with a negative predictive value of 80%. In summary, the available evidence is currently insufficient to determine the role of this variant in disease. Therefore, it has been classified as a Variant of Uncertain Significance.

Ambry Genetics
Classification: Uncertain significance for Cardiovascular phenotype; Hereditary cancer-predisposing syndrome. Last evaluated: 2025-06-25. Review status: criteria provided, single submitter. Criteria: Ambry Variant Classification Scheme 2023. Collection method: clinical testing. Allele origin: germline.
Comment: The p.G405D variant (also known as c.1214G>A), located in coding exon 11 of the LZTR1 gene, results from a G to A substitution at nucleotide position 1214. The glycine at codon 405 is replaced by aspartic acid, an amino acid with similar properties. This amino acid position is conserved. In addition, this alteration is predicted to be deleterious by in silico analysis. Based on the available evidence, the clinical significance of this variant remains unclear.

University of Washington Department of Laboratory Medicine, University of Washington
Classification: Uncertain significance for Noonan syndrome 10. Last evaluated: 2022-03-18. Review status: criteria provided, single submitter. Criteria: ACMG Guidelines, 2015. Collection method: clinical testing. Allele origin: unknown. Affected: yes.
Comment: The p.Gly405Asp variant in the LZTR1 gene has not been previously reported in association with disease. The variant was absent from large population databases, including the Genome Aggregation Database and is not located within the portion of the LZTR1 gene that encodes for a Kelch domain. In silico tools predict that the p.Gly405Asp variant is deleterious; however, these predictions have not been tested directly. Using ACMG guidelines, this variant was classified as a variant of uncertain significance (ACMG evidence codes used: PM2_supporting, PP3).

Victorian Clinical Genetics Services, Murdoch Childrens Research Institute
Classification: Uncertain significance for LZTR1-related schwannomatosis. Last evaluated: 2020-07-02. Review status: criteria provided, single submitter. Criteria: ACMG Guidelines, 2015. Collection method: clinical testing. Allele origin: germline. Affected: yes.
Comment: Based on the classification scheme VCGS_Germline_v1.1.1, this variant is classified as 3B-VUS. Following criteria are met: 0103 - Both loss- and gain-of-function are known mechanisms of disease for this gene. Gain of function variants result in dominant Noonan syndrome, whereas loss of function variants result in susceptibility to schwannomatosis. However, schwannomatosis requires biallelic loss-of-function of both LZTR1 and a second somatic variant in a relevant tissue (PMID: 24362817, 25795793, 30481304). (N) 0108 - This gene is known to be associated with dominant Noonan syndrome (OMIM) and susceptibility to schwannomatosis. (N) 0200 - Variant is predicted to result in a missense amino acid change from glycine to aspartic acid (exon 11). (N) 0251 - Variant is heterozygous. (N) 0301 - Variant is absent from gnomAD. (P) 0501 - Missense variant consistently predicted to be damaging by multiple in silico tools and very highly conserved with a moderate amino acid change. (P) 0604 - Variant is not located in an established domain, motif, hotspot or informative constraint region. (N) 0705 - No comparable variants have previous evidence for pathogenicity. (N) 0807 - Variant has not previously been reported in a clinical context. (N) 0905 - No segregation evidence has been identified for this variant. (N) 1007 - No published functional evidence has been identified for this variant. (N) 1208 - Inheritance information for this variant is not currently available. (N) Legend: (P) - Pathogenic, (N) - Neutral, (B) - Benign

Literature cited by the submitters: PubMed 24362817 (cited by Victorian Clinical Genetics Services, Murdoch Childrens Research Institute); PubMed 25795793 (cited by Victorian Clinical Genetics Services, Murdoch Childrens Research Institute); PubMed 30481304 (cited by Victorian Clinical Genetics Services, Murdoch Childrens Research Institute).

NM_006767.4(LZTR1):c.1214G>A (p.Gly405Asp)

Gene: LZTR1 (leucine zipper like post translational regulator 1; plus strand). Cytogenetic location: 22q11.21.
Variant type: single nucleotide variant.
Coding change: c.1214G>A on transcript NM_006767.4 (MANE Select); coding-DNA position 1214, G replaced by A.
Protein change: p.Gly405Asp; replaces glycine 405 with aspartic acid.
Molecular consequence: missense variant.
Genome position (GRCh38, 1-based): chr22:20,992,858, G>A. VCF-style: chr22-20992858-G-A. GRCh37 (hg19) VCF-style: chr22-21347147-G-A.
Other names: short protein forms G405D.
Identifiers: ClinVar variation 2447767 (VCV002447767.7), dbSNP rs748190695, ClinGen allele CA322267987.